The following is an entry in ClinVar:

NM_000293.3(PHKB):c.1609-20T>C

Gene: PHKB (phosphorylase kinase regulatory subunit beta; plus strand). Cytogenetic location: 16q12.1.
Variant type: single nucleotide variant.
Coding change: c.1609-20T>C on transcript NM_000293.3 (MANE Select); 20 bases into the intron before coding-DNA position 1609, T replaced by C.
Molecular consequence: intron variant.
Genome position (GRCh38, 1-based): chr16:47,648,513, T>C. VCF-style: chr16-47648513-T-C. GRCh37 (hg19) VCF-style: chr16-47682424-T-C.
Other names: c.1609-20T>C (NM_001363837.1); c.1588-20T>C (NM_001031835.3).
Identifiers: ClinVar variation 384225 (VCV000384225.5), dbSNP rs374125947, ClinGen allele CA8040904.

ClinVar aggregate classification (germline): Likely benign. Review status: criteria provided, multiple submitters, no conflicts (2 of 4 stars). 2 submissions from 2 submitters: Likely benign (2). Last evaluated 2025-12-17.

Conditions:
Glycogen storage disease IXb (GSD9B). Also called: PHOSPHORYLASE KINASE DEFICIENCY OF LIVER AND MUSCLE, AUTOSOMAL RECESSIVE; GLYCOGENOSIS OF LIVER AND MUSCLE, AUTOSOMAL RECESSIVE; GSD IXb. Identifiers: Orphanet 79240, MedGen C0543514, MONDO:0009868, OMIM 261750.

Allele frequency attached by ClinVar (database versions not stated): ExAC 0.00008; gnomAD exomes 0.00008 and 0.00016; TOPMed 0.00008; gnomAD 0.00015 and 0.00016; ESP Exome Variant Server 0.00038.
gnomAD v4.1: 256 of 1,556,484 alleles (0.016%); highest among the groups gnomAD compares: Non-Finnish European, 0.02%; no homozygotes.

Submissions (2):

Labcorp Genetics (formerly Invitae), Labcorp
Classification: Likely benign for Glycogen storage disease IXb. Last evaluated: 2025-12-17. Review status: criteria provided, single submitter. Criteria: Invitae Variant Classification Sherloc (09022015). Collection method: clinical testing. Allele origin: germline.

GeneDx
Classification: Likely benign. Last evaluated: 2016-03-16. Review status: criteria provided, single submitter. Criteria: GeneDx Variant Classification (06012015). Collection method: clinical testing. Allele origin: germline. Affected: yes.
Comment: This variant is considered likely benign or benign based on one or more of the following criteria: it is a conservative change, it occurs at a poorly conserved position in the protein, it is predicted to be benign by multiple in silico algorithms, and/or has population frequency not consistent with disease.